The following is an entry in ClinVar:

NM_001430.5(EPAS1):c.*602G>C

Gene: EPAS1 (endothelial PAS domain protein 1; plus strand). Cytogenetic location: 2p21.
Variant type: single nucleotide variant.
Coding change: c.*602G>C on transcript NM_001430.5 (MANE Select); 602 bases downstream of the stop codon, G replaced by C.
Molecular consequence: 3 prime UTR variant.
Genome position (GRCh38, 1-based): chr2:46,385,262, G>C. VCF-style: chr2-46385262-G-C. GRCh37 (hg19) VCF-style: chr2-46612401-G-C.
Identifiers: ClinVar variation 336295 (VCV000336295.5), dbSNP rs78271294, ClinGen allele CA10615641.

ClinVar aggregate classification (germline): Benign (1 of 4 stars; one submission).

Conditions:
Erythrocytosis, familial, 4 (ECYT4). Identifiers: Orphanet 247511, MedGen C2673187, MONDO:0012729, OMIM 611783.

Allele frequency attached by ClinVar (database versions not stated): gnomAD 0.00362 and 0.00390; 1000 Genomes Project 0.00379; TOPMed 0.00378; 1000 Genomes Project 30x 0.00406.

Submission:

Illumina Laboratory Services, Illumina
Classification: Benign for Erythrocytosis, familial, 4. Last evaluated: 2018-01-13. Review status: criteria provided, single submitter. Criteria: ICSL Variant Classification Criteria 13 December 2019. Collection method: clinical testing. Allele origin: germline.
Comment: This variant was observed in the ICSL laboratory as part of a predisposition screen in an ostensibly healthy population. It had not been previously curated by ICSL or reported in the Human Gene Mutation Database (HGMD: prior to June 1st, 2018), and was therefore a candidate for classification through an automated scoring system. Utilizing variant allele frequency, disease prevalence and penetrance estimates, and inheritance mode, an automated score was calculated to assess if this variant is too frequent to cause the disease. Based on the score and internal cut-off values, a variant classified as benign is not then subjected to further curation. The score for this variant resulted in a classification of benign for this disease.